The following is an entry in ClinVar:

NM_007294.4(BRCA1):c.80G>T (p.Cys27Phe)

Gene: BRCA1 (BRCA1 DNA repair associated; minus strand). Cytogenetic location: 17q21.31.
Variant type: single nucleotide variant.
Coding change: c.80G>T on transcript NM_007294.4 (MANE Select); coding-DNA position 80, G replaced by T.
Protein change: p.Cys27Phe; replaces cysteine 27 with phenylalanine.
Molecular consequence: missense variant. On other transcripts: 5 prime UTR variant (1), non-coding transcript variant (1).
Genome position (GRCh38, 1-based): chr17:43,124,017, C>A on the plus strand (G>T on the coding strand, the complement: BRCA1 is on the minus strand). VCF-style: chr17-43124017-C-A. GRCh37 (hg19) VCF-style: chr17-41276034-C-A.
Other names: c.-109G>T (NM_001407571.1, NM_001407853.1, NM_001407879.1 and 46 more transcripts); c.80G>T, p.Cys27Phe (NM_001407581.1, NM_001407582.1, NM_001407583.1 and 192 more transcripts); c.-178G>T (NM_001407694.1, NM_001407724.1, NM_001407727.1 and 11 more transcripts); c.-182G>T (NM_001407695.1, NM_001408465.1); c.-323G>T (NM_001407696.1); c.-207G>T (NM_001407697.1, NM_001407846.1, NM_001407920.1); c.-8G>T (NM_001407698.1, NM_001407732.1, NM_001407736.1 and 23 more transcripts); c.-181G>T (NM_001407725.1, NM_001407730.1, NM_001407734.1 and 22 more transcripts); and 9 more; short protein forms C27F, W27L.
Identifiers: ClinVar variation 481469 (VCV000481469.19), dbSNP rs1064793052, ClinGen allele CA10601996.

ClinVar aggregate classification (germline): Likely pathogenic. Review status: criteria provided, multiple submitters, no conflicts (2 of 4 stars). 2 submissions from 2 submitters: Likely pathogenic (2). Last evaluated 2025-11-25.

Conditions:
Hereditary breast ovarian cancer syndrome. Also called: Breast and ovarian cancer; Hereditary breast and/or ovarian cancer syndrome; BRCA1- and BRCA2-Associated Hereditary Breast and Ovarian Cancer; Hereditary breast and ovarian cancer syndrome; Hereditary breast and ovarian cancer syndrome (HBOC); Hereditary breast and ovarian cancer. Identifiers: Orphanet 145, MedGen C0677776, MeSH D061325, MONDO:0003582. Disease mechanism: loss of function.
Hereditary cancer-predisposing syndrome. Also called: Tumor predisposition; Hereditary Cancer Syndrome; Hereditary neoplastic syndrome; Neoplastic Syndromes, Hereditary. Identifiers: Orphanet 140162, MedGen C0027672, MeSH D009386, MONDO:0015356.

Allele frequency attached by ClinVar (database versions not stated): gnomAD exomes below 0.00001.
gnomAD v4.1: 1 of 1,609,790 alleles (0.000062%); highest among the groups gnomAD compares: Non-Finnish European, 0.000085%; no homozygotes.

Submissions (3):

Ambry Genetics
Classification: Likely pathogenic for Hereditary cancer-predisposing syndrome. Last evaluated: 2025-11-25. Review status: criteria provided, single submitter. Criteria: Ambry Variant Classification Scheme 2023. Collection method: clinical testing. Allele origin: germline.
Comment: The p.C27F variant (also known as c.80G>T), located in coding exon 1 of the BRCA1 gene, results from a G to T substitution at nucleotide position 80. The amino acid change results in cysteine to phenylalanine at codon 27, an amino acid with highly dissimilar properties. However, this change occurs in the last base pair of coding exon 1, which makes it likely to have some effect on normal mRNA splicing. One functional study found that this nucleotide substitution is non-functional in a high-throughput, genome editing, haploid cell survival assay (Findlay GM et al. Nature, 2018 10;562:217-222). This nucleotide position is highly conserved in available vertebrate species. This amino acid position is highly conserved in available vertebrate species. In silico splice site analysis predicts that this alteration will weaken the native splice donor site. In addition, as a missense substitution this is predicted to be deleterious by in silico analysis. This variant is considered to be rare based on population cohorts in the Genome Aggregation Database (gnomAD). Based on the majority of available evidence to date, this variant is likely to be pathogenic.

Labcorp Genetics (formerly Invitae), Labcorp
Classification: Likely pathogenic for Hereditary breast ovarian cancer syndrome. Last evaluated: 2019-03-06. Review status: criteria provided, single submitter. Criteria: Invitae Variant Classification Sherloc (09022015). Collection method: clinical testing. Allele origin: germline.
Comment: Nucleotide substitutions within the consensus splice site are a relatively common cause of aberrant splicing (PMID: 17576681, 9536098). Algorithms developed to predict the effect of sequence changes on RNA splicing suggest that this variant may disrupt the consensus splice site, but this prediction has not been confirmed by published transcriptional studies. This variant has not been reported in the literature in individuals with BRCA1-related conditions. ClinVar contains an entry for this variant (Variation ID: 481469). This variant is not present in population databases (ExAC no frequency). This sequence change replaces cysteine with phenylalanine at codon 27 of the BRCA1 protein (p.Cys27Phe). The cysteine residue is highly conserved and there is a large physicochemical difference between cysteine and phenylalanine. This variant also falls at the last nucleotide of exon 2 of the BRCA1 coding sequence, which is part of the consensus splice site for this exon. This variant affects the highly conserved Cys27 residue within the N-terminal RING domain of the BRCA1 protein (PMID: 11526114, 22843421). This variant has been reported to affect BRCA1 protein function (PMID: 30209399). In summary, the currently available evidence indicates that the variant is pathogenic, but additional data are needed to prove that conclusively. Therefore, this variant has been classified as Likely Pathogenic.

Brotman Baty Institute, University of Washington
No classification provided (evidence only). Condition: Breast-ovarian cancer, familial 1. Review status: no classification provided. Collection method: in vitro. Allele origin: not applicable. Functional consequence: functionally_abnormal. Not counted in ClinVar's aggregate classification.
ClinVar note: "not provided" was previously submitted as the classification for the variant. However, the classification appeared to be based only on an observation of functional data so it was converted to no classification on 2025-07-30.

Literature cited by the submitters: PubMed 30209399 (cited by Ambry Genetics and Labcorp Genetics (formerly Invitae), Labcorp); PubMed 17576681 (cited by Labcorp Genetics (formerly Invitae), Labcorp); PubMed 9536098 (cited by Labcorp Genetics (formerly Invitae), Labcorp); PubMed 11526114 (cited by Labcorp Genetics (formerly Invitae), Labcorp); PubMed 22843421 (cited by Labcorp Genetics (formerly Invitae), Labcorp).